The following is an entry in ClinVar:

ClinVar aggregate classification (germline): Uncertain significance (1 of 4 stars; one submission).

Allele frequency attached by ClinVar (database versions not stated): TOPMed below 0.00001.

Submission:

Labcorp Genetics (formerly Invitae), Labcorp
Classification: Uncertain significance. Last evaluated: 2022-08-20. Review status: criteria provided, single submitter. Criteria: Invitae Variant Classification Sherloc (09022015). Collection method: clinical testing. Allele origin: germline.
Comment: In summary, the available evidence is currently insufficient to determine the role of this variant in disease. Therefore, it has been classified as a Variant of Uncertain Significance. Experimental studies and prediction algorithms are not available or were not evaluated, and the functional significance of this variant is currently unknown. This variant has not been reported in the literature in individuals affected with COL18A1-related conditions. This variant is not present in population databases (gnomAD no frequency). This sequence change replaces tyrosine, which is neutral and polar, with serine, which is neutral and polar, at codon 4 of the COL18A1 protein (p.Tyr4Ser). The COL18A1 gene has multiple clinically relevant transcripts. This variant occurs in alternate transcript NM_030582.4, and corresponds to NM_130445.3:c.107-12701A>C in the primary transcript.

NM_001379500.1(COL18A1):c.107-12701A>C

Gene: COL18A1 (collagen type XVIII alpha 1 chain; plus strand). Cytogenetic location: 21q22.3.
Variant type: single nucleotide variant.
Coding change: c.107-12701A>C on transcript NM_001379500.1 (MANE Select); 12701 bases into the intron before coding-DNA position 107, A replaced by C.
Molecular consequence: intron variant. On other transcripts: missense variant (2).
Genome position (GRCh38, 1-based): chr21:45,455,541, A>C. VCF-style: chr21-45455541-A-C. GRCh37 (hg19) VCF-style: chr21-46875455-A-C.
Other names: c.11A>C, p.Tyr4Ser (NM_030582.4, NM_130444.3); short protein forms Y4S.
Identifiers: ClinVar variation 2025401 (VCV002025401.4), dbSNP rs1475490590, ClinGen allele CA410504944.